The following is an entry in ClinVar:

ClinVar aggregate classification (germline): Pathogenic (1 of 4 stars; one submission).

Conditions:
X-linked agammaglobulinemia with growth hormone deficiency (IGHD3). Also called: FLEISHER SYNDROME; HYPOGAMMAGLOBULINEMIA AND ISOLATED GROWTH HORMONE DEFICIENCY, X-LINKED; IGHD III; ISOLATED GROWTH HORMONE DEFICIENCY, TYPE III, WITH AGAMMAGLOBULINEMIA; AGAMMAGLOBULINEMIA AND ISOLATED GROWTH HORMONE DEFICIENCY, X-LINKED; Isolated growth hormone deficiency type 3. Identifiers: Orphanet 231692, Orphanet 631, MedGen C0472813, MONDO:0010615, OMIM 307200.

Submission:

Labcorp Genetics (formerly Invitae), Labcorp
Classification: Pathogenic for X-linked agammaglobulinemia with growth hormone deficiency. Last evaluated: 2023-06-15. Review status: criteria provided, single submitter. Criteria: Invitae Variant Classification Sherloc (09022015). Collection method: clinical testing. Allele origin: germline.
Comment: This sequence change replaces threonine, which is neutral and polar, with proline, which is neutral and non-polar, at codon 117 of the BTK protein (p.Thr117Pro). This variant is not present in population databases (gnomAD no frequency). This missense change has been observed in individuals with clinical features of X-linked agammaglobulinemia (PMID: 9445504, 11742281, 29709555; Invitae). ClinVar contains an entry for this variant (Variation ID: 1359343). Advanced modeling of protein sequence and biophysical properties (such as structural, functional, and spatial information, amino acid conservation, physicochemical variation, residue mobility, and thermodynamic stability) performed at Invitae indicates that this missense variant is expected to disrupt BTK protein function. For these reasons, this variant has been classified as Pathogenic.

Literature cited by the submitters: PubMed 9445504; PubMed 11742281; PubMed 29709555.

NM_000061.3(BTK):c.349A>C (p.Thr117Pro)

Gene: BTK (Bruton tyrosine kinase; minus strand). Cytogenetic location: Xq22.1.
Variant type: single nucleotide variant.
Coding change: c.349A>C on transcript NM_000061.3 (MANE Select); coding-DNA position 349, A replaced by C.
Protein change: p.Thr117Pro; replaces threonine 117 with proline.
Molecular consequence: missense variant.
Genome position (GRCh38, 1-based): chrX:101,370,040, T>G on the plus strand (A>C on the coding strand, the complement: BTK is on the minus strand). VCF-style: chrX-101370040-T-G. GRCh37 (hg19) VCF-style: chrX-100625028-T-G.
Other names: c.451A>C, p.Thr151Pro (NM_001287344.2); c.349A>C, p.Thr117Pro (NM_001287345.2); short protein forms T151P, T117P.
Identifiers: ClinVar variation 1359343 (VCV001359343.8), dbSNP rs782820524, ClinGen allele CA413937131.